The following is an entry in ClinVar:

NM_001368894.2(PAX6):c.1242del (p.Val415fs)

Genes: ELP4 (elongator acetyltransferase complex subunit 4; plus strand), PAX6 (paired box 6; minus strand). Cytogenetic location: 11p13.
Variant type: Deletion.
Coding change: c.1242del on transcript NM_001368894.2 (MANE Select); coding-DNA position 1242, one base deleted (T; older notation c.1242delT).
Protein change: p.Val415fs; shifts the reading frame from valine 415.
Molecular consequence: frameshift variant. On other transcripts: 3 prime UTR variant (3), non-coding transcript variant (2).
Genome position (GRCh38, 1-based): chr11:31,790,003, A deleted on the plus strand (T on the coding strand, the reverse complement: PAX6 is on the minus strand). VCF-style (leftmost placement, unchanged base first): chr11-31790002-CA-C. GRCh37 (hg19) VCF-style: chr11-31811550-CA-C.
Other names: c.*6465del (NM_001288725.2); c.*6574del (NM_001288726.2); c.*6479del (NM_019040.5); c.1200del, p.Val401fs (NM_000280.6, NM_001127612.3, NM_001258464.2 and 6 more transcripts); c.1242del, p.Val415fs (NM_001258462.3, NM_001258463.2, NM_001310158.2 and 3 more transcripts); c.792del, p.Val265fs (NM_001310160.2, NM_001310161.3, NM_001368899.2 and 10 more transcripts); c.1443del, p.Val482fs (NM_001368910.2); c.1094del, p.Val365fs (NM_001368911.2); and 9 more; short protein forms V350fs, V440fs, V482fs, V200fs, V214fs, V297fs, V334fs, V348fs.
Identifiers: ClinVar variation 817624 (VCV000817624.2), dbSNP rs1592350160, ClinGen allele CA915948025.

ClinVar aggregate classification (germline): Likely pathogenic (1 of 4 stars; one submission).

Submission:

GeneDx
Classification: Likely pathogenic. Last evaluated: 2018-07-11. Review status: criteria provided, single submitter. Criteria: GeneDx Variant Classification (06012015). Collection method: clinical testing. Allele origin: germline. Affected: yes.
Comment: The c.1200delT variant in the PAX6 gene has been reported previously as NT1617delT using alternate nomenclature in association with aniridia (Chao et al., 2003). The deletion causes a frameshift starting with codon Valine 401, changes this amino acid to a Cystine residue and results in protein extension with a Stop codon at position 124 of the new reading frame, denoted p.Val401CysfsX124. The final 22 amino acids are replaced with 123 incorrect amino acids. The variant is not observed in large population cohorts (Lek et al., 2016). In summary, we consider this variant to be likely pathogenic.